The following is an entry in ClinVar:

ClinVar aggregate classification (germline): Conflicting classifications of pathogenicity. Review status: criteria provided, conflicting classifications (1 of 4 stars). 2 submissions from 2 submitters: Uncertain significance (1); Likely benign (1). Last evaluated 2025-03-18.

Conditions:
Inborn genetic diseases. Identifiers: MedGen C0950123, MeSH D030342.

Allele frequency attached by ClinVar (database versions not stated): gnomAD exomes 0.00001; ExAC 0.00001.
gnomAD v4.1: 12 of 1,613,792 alleles (0.00074%); highest among the groups gnomAD compares: East Asian, 0.0067%; no homozygotes.

Submissions (2):

Labcorp Genetics (formerly Invitae), Labcorp
Classification: Uncertain significance. Last evaluated: 2025-03-18. Review status: criteria provided, single submitter. Criteria: Invitae Variant Classification Sherloc (09022015). Collection method: clinical testing. Allele origin: germline.
Comment: This sequence change replaces glycine, which is neutral and non-polar, with aspartic acid, which is acidic and polar, at codon 1425 of the SAMD9L protein (p.Gly1425Asp). This variant is present in population databases (rs772819846, gnomAD 0.006%). This variant has not been reported in the literature in individuals affected with SAMD9L-related conditions. ClinVar contains an entry for this variant (Variation ID: 2013729). Invitae Evidence Modeling of protein sequence and biophysical properties (such as structural, functional, and spatial information, amino acid conservation, physicochemical variation, residue mobility, and thermodynamic stability) indicates that this missense variant is not expected to disrupt SAMD9L protein function with a negative predictive value of 80%. In summary, the available evidence is currently insufficient to determine the role of this variant in disease. Therefore, it has been classified as a Variant of Uncertain Significance.

Ambry Genetics
Classification: Likely benign for Inborn genetic diseases. Last evaluated: 2024-11-23. Review status: criteria provided, single submitter. Criteria: Ambry Variant Classification Scheme 2023. Collection method: clinical testing. Allele origin: germline.

NM_152703.5(SAMD9L):c.4274G>A (p.Gly1425Asp)

Gene: SAMD9L (sterile alpha motif domain containing 9 like; minus strand). Cytogenetic location: 7q21.2.
Variant type: single nucleotide variant.
Coding change: c.4274G>A on transcript NM_152703.5 (MANE Select); coding-DNA position 4274, G replaced by A.
Protein change: p.Gly1425Asp; replaces glycine 1425 with aspartic acid.
Molecular consequence: missense variant.
Genome position (GRCh38, 1-based): chr7:93,131,698, C>T on the plus strand (G>A on the coding strand, the complement: SAMD9L is on the minus strand). VCF-style: chr7-93131698-C-T. GRCh37 (hg19) VCF-style: chr7-92761011-C-T.
Other names: c.4274G>A (NM_152703.2); c.4274G>A, p.Gly1425Asp (NM_001303496.3, NM_001303497.3, NM_001303498.3 and 5 more transcripts); short protein forms G1425D.
Identifiers: ClinVar variation 2013729 (VCV002013729.5), dbSNP rs772819846, ClinGen allele CA4343332.
Genomic context (GRCh38, chr7:93,131,698, plus strand): 5'-GAATCTTGATCTAGCTCTTGATTTTCTGGCCAGAACAGGAGGCAGGCCAAGAAATAAGGA[C>T]CTGGATATTGATGACTTAGTCCTACAAATTGCAAGACCTCTCGGAGTTGTTTTTTTAGCG-3'
Protein context (NP_689916.2, residues 1415-1435): QFVGLSHQYP[Gly1425Asp]PYFLACLLFW